The following is an entry in ClinVar:

ClinVar aggregate classification (germline): Benign/Likely benign. Review status: criteria provided, multiple submitters, no conflicts (2 of 4 stars). 21 submissions from 14 submitters: Benign (17); Likely benign (1). 3 of the submissions do not count toward it. Last evaluated 2026-02-04.

Conditions:
Autosomal recessive limb-girdle muscular dystrophy type 2J (LGMDR10). Also called: Limb-girdle muscular dystrophy, type 2J; MUSCULAR DYSTROPHY, LIMB-GIRDLE, AUTOSOMAL RECESSIVE 10. Identifiers: Orphanet 140922, MedGen C1837342, MONDO:0012127, OMIM 608807.
Dilated cardiomyopathy 1G (CMD1G). Identifiers: Orphanet 154, MedGen C1858763, MONDO:0011400, OMIM 604145.
Cardiomyopathy (CMYO). Also called: Cardiomyopathies. Identifiers: Orphanet 167848, MedGen C0878544, MONDO:0004994, HP:0001638. Inheritance: Various modes of inheritance.
Myopathy, myofibrillar, 9, with early respiratory failure (MFM9). Also called: EDSTROM MYOPATHY; MYOPATHY, PROXIMAL, WITH EARLY RESPIRATORY MUSCLE INVOLVEMENT; Hereditary myopathy with early respiratory failure; Myopathy, distal, with early respiratory failure, autosomal dominant. Identifiers: Orphanet 178464, Orphanet 34521, MedGen C1863599, MONDO:0011362, OMIM 603689.
Early-onset myopathy with fatal cardiomyopathy (CMYO5). Also called: Salih Myopathy; CONGENITAL MYOPATHY 5 WITH CARDIOMYOPATHY. Identifiers: Orphanet 289377, MedGen C2673677, MONDO:0012714, OMIM 611705. Disease mechanism: loss of function.
Tibial muscular dystrophy (TMD). Also called: UDD MYOPATHY; Tibial muscular dystrophy, tardive; Udd Distal Myopathy – Tibial Muscular Dystrophy. Identifiers: Orphanet 609, MedGen C1838244, MONDO:0010870, OMIM 600334.

Allele frequency attached by ClinVar (database versions not stated): ESP Exome Variant Server 0.00374; TOPMed 0.01894; gnomAD 0.02222 and 0.02246; 1000 Genomes Project 0.02336; gnomAD exomes 0.07256 and 0.10241; ExAC 0.25689.
gnomAD v4.1: 28,857 of 394,778 alleles (7.3%); highest among the groups gnomAD compares: East Asian, 14%; 85 homozygotes.

Submissions (21):

Labcorp Genetics (formerly Invitae), Labcorp
Classification: Benign for Dilated cardiomyopathy 1G; Autosomal recessive limb-girdle muscular dystrophy type 2J. Last evaluated: 2026-02-04. Review status: criteria provided, single submitter. Criteria: Invitae Variant Classification Sherloc (09022015). Collection method: clinical testing. Allele origin: germline.

Molecular Diagnostic Laboratory for Inherited Cardiovascular Disease, Montreal Heart Institute
Classification: Benign. Last evaluated: 2025-04-09. Review status: criteria provided, single submitter. Criteria: ACMG Guidelines, 2015. Collection method: clinical testing. Allele origin: germline. Affected: no.

Blueprint Genetics
Classification: Likely benign. Last evaluated: 2024-11-26. Review status: criteria provided, single submitter. Criteria: ACMG Guidelines, 2015. Collection method: clinical testing. Allele origin: germline.

Genome-Nilou Lab
Classification: Benign for Autosomal recessive limb-girdle muscular dystrophy type 2J. Last evaluated: 2021-09-10. Review status: criteria provided, single submitter. Criteria: ACMG Guidelines, 2015. Collection method: clinical testing. Allele origin: germline. Affected: no.

Genome-Nilou Lab
Classification: Benign for Myopathy, myofibrillar, 9, with early respiratory failure. Last evaluated: 2021-09-10. Review status: criteria provided, single submitter. Criteria: ACMG Guidelines, 2015. Collection method: clinical testing. Allele origin: germline. Affected: no.

Genome-Nilou Lab
Classification: Benign for Early-onset myopathy with fatal cardiomyopathy. Last evaluated: 2021-09-10. Review status: criteria provided, single submitter. Criteria: ACMG Guidelines, 2015. Collection method: clinical testing. Allele origin: germline. Affected: no.

Genome-Nilou Lab
Classification: Benign for Tibial muscular dystrophy. Last evaluated: 2021-09-10. Review status: criteria provided, single submitter. Criteria: ACMG Guidelines, 2015. Collection method: clinical testing. Allele origin: germline. Affected: no.

CHEO Genetics Diagnostic Laboratory, Children's Hospital of Eastern Ontario
Classification: Benign for Cardiomyopathy. Last evaluated: 2021-07-15. Review status: criteria provided, single submitter. Criteria: ACMG Guidelines, 2015. Collection method: clinical testing. Allele origin: germline.

Women's Health and Genetics/Laboratory Corporation of America, LabCorp
Classification: Benign. Last evaluated: 2020-01-11. Review status: criteria provided, single submitter. Criteria: LabCorp Variant Classification Summary - May 2015. Collection method: clinical testing. Allele origin: germline.

Illumina Laboratory Services, Illumina
Classification: Benign for Myopathy, myofibrillar, 9, with early respiratory failure. Last evaluated: 2018-01-13. Review status: criteria provided, single submitter. Criteria: ICSL Variant Classification Criteria 13 December 2019. Collection method: clinical testing. Allele origin: germline.
Comment: This variant was observed in the ICSL laboratory as part of a predisposition screen in an ostensibly healthy population. It had not been previously curated by ICSL or reported in the Human Gene Mutation Database (HGMD: prior to June 1st, 2018), and was therefore a candidate for classification through an automated scoring system. Utilizing variant allele frequency, disease prevalence and penetrance estimates, and inheritance mode, an automated score was calculated to assess if this variant is too frequent to cause the disease. Based on the score and internal cut-off values, a variant classified as benign is not then subjected to further curation. The score for this variant resulted in a classification of benign for this disease.

Illumina Laboratory Services, Illumina
Classification: Benign for Early-onset myopathy with fatal cardiomyopathy. Last evaluated: 2018-01-13. Review status: criteria provided, single submitter. Criteria: ICSL Variant Classification Criteria 13 December 2019. Collection method: clinical testing. Allele origin: germline.
Comment: the same text as in the submission from Illumina Laboratory Services, Illumina above.

Illumina Laboratory Services, Illumina
Classification: Benign for Autosomal recessive limb-girdle muscular dystrophy type 2J. Last evaluated: 2018-01-13. Review status: criteria provided, single submitter. Criteria: ICSL Variant Classification Criteria 13 December 2019. Collection method: clinical testing. Allele origin: germline.
Comment: the same text as in the submission from Illumina Laboratory Services, Illumina above.

Illumina Laboratory Services, Illumina
Classification: Benign for Tibial muscular dystrophy. Last evaluated: 2018-01-13. Review status: criteria provided, single submitter. Criteria: ICSL Variant Classification Criteria 13 December 2019. Collection method: clinical testing. Allele origin: germline.
Comment: the same text as in the submission from Illumina Laboratory Services, Illumina above.

Illumina Laboratory Services, Illumina
Classification: Benign for Dilated cardiomyopathy 1G. Last evaluated: 2018-01-13. Review status: criteria provided, single submitter. Criteria: ICSL Variant Classification Criteria 13 December 2019. Collection method: clinical testing. Allele origin: germline.
Comment: the same text as in the submission from Illumina Laboratory Services, Illumina above.

Mayo Clinic Laboratories, Mayo Clinic
Classification: Benign. Last evaluated: 2017-12-20. Review status: criteria provided, single submitter. Criteria: ACMG Guidelines, 2015. Collection method: clinical testing. Allele origin: germline. Observed: 96 variant alleles.

Eurofins Ntd Llc (ga)
Classification: Benign. Last evaluated: 2015-07-23. Review status: criteria provided, single submitter. Criteria: EGL Classification Definitions 2015. Collection method: clinical testing. Allele origin: germline. Observed: 1 variant allele.

GeneDx
Classification: Benign. Last evaluated: 2013-04-29. Review status: criteria provided, single submitter. Criteria: GeneDx Variant Classification (06012015). Collection method: clinical testing. Allele origin: germline. Affected: yes.
Comment: This variant is considered likely benign or benign based on one or more of the following criteria: it is a conservative change, it occurs at a poorly conserved position in the protein, it is predicted to be benign by multiple in silico algorithms, and/or has population frequency not consistent with disease.

Breakthrough Genomics
Classification: Benign. Review status: criteria provided, single submitter. Criteria: ACMG Guidelines, 2015. Collection method: not provided. Allele origin: germline. Inheritance: Autosomal recessive inheritance. Affected: yes.

Clinical Genetics, Academic Medical Center
Classification: Benign. Review status: no assertion criteria provided. Collection method: clinical testing. Allele origin: germline. Affected: yes. Study: VKGL Data-share Consensus. Not counted in ClinVar's aggregate classification.

Genome Diagnostics Laboratory, University Medical Center Utrecht
Classification: Benign. Review status: no assertion criteria provided. Collection method: clinical testing. Allele origin: germline. Affected: yes. Study: VKGL Data-share Consensus. Not counted in ClinVar's aggregate classification.

Laboratory of Diagnostic Genome Analysis, Leiden University Medical Center (LUMC)
Classification: Likely benign. Review status: no assertion criteria provided. Collection method: clinical testing. Allele origin: germline. Affected: yes. Study: VKGL Data-share Consensus. Not counted in ClinVar's aggregate classification.

NC_000002.12:g.178535859A>G

Genes: TTN (titin; minus strand), TTN-AS1 (TTN antisense RNA 1; plus strand). Cytogenetic location: 2q31.2.
Variant type: single nucleotide variant.
Molecular consequence: intron variant (on NM_001267550.2).
Genome position: GRCh38 VCF-style: chr2-178535859-A-G. GRCh37 (hg19) VCF-style: chr2-179400586-A-G.
Other names: p.?; c.95843-10T>C (NM_001256850.1); c.73571-10T>C (NM_003319.4); c.74147-10T>C (NM_133437.4); c.73946-10T>C (NM_133432.3); c.100766-10T>C (NM_001267550.2); c.93062-10T>C (NM_133378.4).
Identifiers: ClinVar variation 96324 (VCV000096324.30), dbSNP rs202214630, ClinGen allele CA285789.